The following is an entry in ClinVar:

NM_001080432.3(FTO):c.722C>T (p.Ala241Val)

Gene: FTO (FTO alpha-ketoglutarate dependent dioxygenase; plus strand). Cytogenetic location: 16q12.2.
Variant type: single nucleotide variant.
Coding change: c.722C>T on transcript NM_001080432.3 (MANE Select); coding-DNA position 722, C replaced by T.
Protein change: p.Ala241Val; replaces alanine 241 with valine.
Molecular consequence: missense variant.
Genome position (GRCh38, 1-based): chr16:53,826,462, C>T. VCF-style: chr16-53826462-C-T. GRCh37 (hg19) VCF-style: chr16-53860374-C-T.
Other names: c.722C>T, p.Ala241Val (NM_001363891.2, NM_001363894.2, NM_001363896.2 and 6 more transcripts); c.644C>T, p.Ala215Val (NM_001363897.2); c.209C>T, p.Ala70Val (NM_001363905.2); short protein forms A215V, A241V, A70V.
Identifiers: ClinVar variation 2229222 (VCV002229222.2), dbSNP rs753958759, ClinGen allele CA8058423.
Genomic context (GRCh38, chr16:53,826,462, plus strand): 5'-TTGGCATGGGGAAAATGGCAGTGAGCTGGCATCATGATGAAAATCTGGTGGACAGGTCAG[C>T]GGTGGCAGTGTACAGTTATAGCTGTGAAGGTACAGTCTGCTCTTGGAAAAAGCAGCCCTG-3'
Protein context (NP_001073901.1, residues 231-251): HHDENLVDRS[Ala241Val]VAVYSYSCEG

ClinVar aggregate classification (germline): Uncertain significance (1 of 4 stars; one submission).

Conditions:
Inborn genetic diseases. Identifiers: MedGen C0950123, MeSH D030342.

Allele frequency attached by ClinVar (database versions not stated): ExAC 0.00001; gnomAD 0.00001; gnomAD exomes 0.00001; TOPMed 0.00001.
gnomAD v4.1: 12 of 1,613,912 alleles (0.00074%); highest among the groups gnomAD compares: South Asian, 0.0022%; no homozygotes.

Submission:

Ambry Genetics
Classification: Uncertain significance for Inborn genetic diseases. Last evaluated: 2021-03-02. Review status: criteria provided, single submitter. Criteria: Ambry Variant Classification Scheme 2023. Collection method: clinical testing. Allele origin: germline.
Comment: The c.722C>T (p.A241V) alteration is located in exon 3 (coding exon 3) of the FTO gene. This alteration results from a C to T substitution at nucleotide position 722, causing the alanine (A) at amino acid position 241 to be replaced by a valine (V). The p.A241V alteration is predicted to be tolerated by in silico analysis. Based on insufficient or conflicting evidence, the clinical significance of this alteration remains unclear.